The following is an entry in ClinVar:

NM_001754.5(RUNX1):c.*134C>T

Gene: RUNX1 (RUNX family transcription factor 1; minus strand). Cytogenetic location: 21q22.12.
Variant type: single nucleotide variant.
Coding change: c.*134C>T on transcript NM_001754.5 (MANE Select); 134 bases downstream of the stop codon, C replaced by T.
Molecular consequence: 3 prime UTR variant.
Genome position (GRCh38, 1-based): chr21:34,792,001, G>A on the plus strand (C>T on the coding strand, the complement: RUNX1 is on the minus strand). VCF-style: chr21-34792001-G-A. GRCh37 (hg19) VCF-style: chr21-36164298-G-A.
Other names: c.*134C>T (NM_001001890.3).
Identifiers: ClinVar variation 898860 (VCV000898860.5), dbSNP rs1004564780, ClinGen allele CA320251021.
Genomic context (GRCh38, chr21:34,792,001, plus strand): 5'-CGTGGGCTTCTGGGCGCAGGAGGCTGCGCGGGCCTGACCTACAGCGAGATCCTGGCCGTC[G>A]GGCGCCCTCGGCCCCAGGACGGTGGCCGGGCCCAGGGCCCGGGATCCCGGCGGGCTTGTC-3'

ClinVar aggregate classification (germline): Uncertain significance. Review status: reviewed by expert panel (3 of 4 stars). 2 submissions from 2 submitters: Uncertain significance (1). 1 of the submissions does not count toward it. Last evaluated 2024-11-13.

Conditions:
Hereditary thrombocytopenia and hematologic cancer predisposition syndrome. Identifiers: Orphanet 71290, MedGen CN281654, MONDO:0011071.
Hereditary thrombocytopenia and hematological cancer predisposition syndrome associated with RUNX1. Also called: PLATELET DISORDER, ASPIRIN-LIKE; RUNX1 Familial Platelet Disorder with Associated Myeloid Malignancies; Familial Platelet Disorder with Propensity to Acute Myelogenous Leukemia; Familial thrombocytopenia with propensity to acute myelogenous leukemia. Identifiers: Orphanet 71290, MedGen C1832388, MeSH C563324, MONDO:0100083, OMIM 601399.

Allele frequency attached by ClinVar (database versions not stated): gnomAD 0.00001; gnomAD exomes 0.00001 and 0.00006; TOPMed 0.00003.
gnomAD v4.1: 5 of 511,834 alleles (0.00098%); highest among the groups gnomAD compares: Admixed American, 0.018%; no homozygotes.

Submissions (2):

ClinGen Myeloid Malignancy Variant Curation Expert Panel
Classification: Uncertain significance for Hereditary thrombocytopenia and hematologic cancer predisposition syndrome. Last evaluated: 2024-11-13. Review status: reviewed by expert panel. Criteria: ClinGen MyeloMalig ACMG Specifications v2. Collection method: curation. Allele origin: germline. Inheritance: Autosomal dominant inheritance.
Comment: NM_001754.5(RUNX1):c.*134C>T is a 3' UTR change located in exon 9. It has been identified in three individuals in gnomAD v2 and two individuals in gnomAD v3, with minor allele frequencies (MAF) of 0.00005783 and 0.00001328, respectively. So far, this variant has not been reported in any patients with RUNX1-related diseases. In summary, the clinical significance of this variant is uncertain. ACMG/AMP criteria applied, as specified by the Myeloid Malignancy Variant Curation Expert Panel for RUNX1: None.

Illumina Laboratory Services, Illumina
Classification: Uncertain significance for Hereditary thrombocytopenia and hematological cancer predisposition syndrome associated with RUNX1. Last evaluated: 2018-01-13. Review status: criteria provided, single submitter. Criteria: ICSL Variant Classification Criteria 13 December 2019. Collection method: clinical testing. Allele origin: germline. Not counted in ClinVar's aggregate classification.